The following is an entry in ClinVar:

NM_001852.4(COL9A2):c.88G>A (p.Gly30Arg)

Genes: COL9A2 (collagen type IX alpha 2 chain; minus strand), LOC129930261 (ATAC-STARR-seq lymphoblastoid silent region 724; plus strand). Cytogenetic location: 1p34.2.
Variant type: single nucleotide variant.
Coding change: c.88G>A on transcript NM_001852.4 (MANE Select); coding-DNA position 88, G replaced by A.
Protein change: p.Gly30Arg; replaces glycine 30 with arginine.
Molecular consequence: missense variant.
Genome position (GRCh38, 1-based): chr1:40,315,652, C>T on the plus strand (G>A on the coding strand, the complement: COL9A2 is on the minus strand). VCF-style: chr1-40315652-C-T. GRCh37 (hg19) VCF-style: chr1-40781324-C-T.
Other names: short protein forms G30R.
Identifiers: ClinVar variation 876392 (VCV000876392.9), dbSNP rs193238892, ClinGen allele CA792107.

ClinVar aggregate classification (germline): Benign. Review status: criteria provided, multiple submitters, no conflicts (2 of 4 stars). 2 submissions from 2 submitters: Benign (2). Last evaluated 2026-01-27.

Conditions:
Epiphyseal dysplasia, multiple, 2 (EDM2). Also called: COL9A2-Related Multiple Epiphyseal Dysplasia. Identifiers: MedGen C1838429, MONDO:0010844, OMIM 600204.

Allele frequency attached by ClinVar (database versions not stated): gnomAD below 0.00001 and 0.00006; TOPMed 0.00003; gnomAD exomes 0.00008 and 0.00013; ExAC 0.00054; 1000 Genomes Project 30x 0.00078; 1000 Genomes Project 0.00080.
gnomAD v4.1: 130 of 1,553,654 alleles (0.0084%); highest among the groups gnomAD compares: East Asian, 0.18%; no homozygotes.

Submissions (2):

Labcorp Genetics (formerly Invitae), Labcorp
Classification: Benign. Last evaluated: 2026-01-27. Review status: criteria provided, single submitter. Criteria: Invitae Variant Classification Sherloc (09022015). Collection method: clinical testing. Allele origin: germline.

Illumina Laboratory Services, Illumina
Classification: Benign for Epiphyseal dysplasia, multiple, 2. Last evaluated: 2018-01-13. Review status: criteria provided, single submitter. Criteria: ICSL Variant Classification Criteria 13 December 2019. Collection method: clinical testing. Allele origin: germline.
Comment: This variant was observed in the ICSL laboratory as part of a predisposition screen in an ostensibly healthy population. It had not been previously curated by ICSL or reported in the Human Gene Mutation Database (HGMD: prior to June 1st, 2018), and was therefore a candidate for classification through an automated scoring system. Utilizing variant allele frequency, disease prevalence and penetrance estimates, and inheritance mode, an automated score was calculated to assess if this variant is too frequent to cause the disease. Based on the score and internal cut-off values, a variant classified as benign is not then subjected to further curation. The score for this variant resulted in a classification of benign for this disease.